The following is an entry in ClinVar:

NM_004637.6(RAB7A):c.*229C>T

Gene: RAB7A (RAB7A, member RAS oncogene family; plus strand). Cytogenetic location: 3q21.3.
Variant type: single nucleotide variant.
Coding change: c.*229C>T on transcript NM_004637.6 (MANE Select); 229 bases downstream of the stop codon, C replaced by T.
Molecular consequence: 3 prime UTR variant.
Genome position (GRCh38, 1-based): chr3:128,813,651, C>T. VCF-style: chr3-128813651-C-T. GRCh37 (hg19) VCF-style: chr3-128532494-C-T.
Identifiers: ClinVar variation 901603 (VCV000901603.4), dbSNP rs147244704, ClinGen allele CA82513615.

ClinVar aggregate classification (germline): Benign (1 of 4 stars; one submission).

Conditions:
Charcot-Marie-Tooth disease type 2B (CMT2B). Also called: Charcot-Marie-Tooth Neuropathy Type 2B; CHARCOT-MARIE-TOOTH DISEASE, AXONAL, TYPE 2B; CHARCOT-MARIE-TOOTH DISEASE, AUTOSOMAL DOMINANT, TYPE 2B; HEREDITARY MOTOR AND SENSORY NEUROPATHY IIB. Identifiers: Orphanet 99936, MedGen C1833219, MONDO:0010949, OMIM 600882.

Allele frequency attached by ClinVar (database versions not stated): gnomAD exomes 0.00050; 1000 Genomes Project 0.00260; 1000 Genomes Project 30x 0.00265; TOPMed 0.00317.
gnomAD v4.1: 654 of 564,428 alleles (0.12%); highest among the groups gnomAD compares: African/African-American, 0.92%; 3 homozygotes.

Submission:

Illumina Laboratory Services, Illumina
Classification: Benign for Charcot-Marie-Tooth disease type 2B. Last evaluated: 2018-01-13. Review status: criteria provided, single submitter. Criteria: ICSL Variant Classification Criteria 13 December 2019. Collection method: clinical testing. Allele origin: germline.
Comment: This variant was observed in the ICSL laboratory as part of a predisposition screen in an ostensibly healthy population. It had not been previously curated by ICSL or reported in the Human Gene Mutation Database (HGMD: prior to June 1st, 2018), and was therefore a candidate for classification through an automated scoring system. Utilizing variant allele frequency, disease prevalence and penetrance estimates, and inheritance mode, an automated score was calculated to assess if this variant is too frequent to cause the disease. Based on the score and internal cut-off values, a variant classified as benign is not then subjected to further curation. The score for this variant resulted in a classification of benign for this disease.